The following is an entry in ClinVar:

ClinVar aggregate classification (germline): Uncertain significance. Review status: criteria provided, multiple submitters, no conflicts (2 of 4 stars). 2 submissions from 2 submitters: Uncertain significance (2). Last evaluated 2026-06-28.

Conditions:
Hereditary cancer-predisposing syndrome. Also called: Hereditary neoplastic syndrome; Neoplastic Syndromes, Hereditary; Tumor predisposition; Hereditary Cancer Syndrome. Identifiers: Orphanet 140162, MedGen C0027672, MeSH D009386, MONDO:0015356.
Familial cancer of breast. Also called: BREAST CANCER, FAMILIAL; Hereditary breast cancer; hereditary breast carcinoma. Identifiers: Orphanet 227535, MedGen C0346153, MONDO:0016419, OMIM 114480. Disease mechanism: loss of function.

gnomAD v4.1: 1 of 1,614,210 alleles (0.000062%); highest among the groups gnomAD compares: South Asian, 0.0011%; no homozygotes.

Submissions (2):

Ambry Genetics
Classification: Uncertain significance for Hereditary cancer-predisposing syndrome. Last evaluated: 2026-06-28. Review status: criteria provided, single submitter. Criteria: Ambry Variant Classification Scheme 2023. Collection method: clinical testing. Allele origin: germline.
Comment: The p.D871N variant (also known as c.2611G>A), located in coding exon 7 of the PALB2 gene, results from a G to A substitution at nucleotide position 2611. The aspartic acid at codon 871 is replaced by asparagine, an amino acid with highly similar properties. This amino acid position is conserved. In addition, this alteration is predicted to be tolerated by in silico analysis. Based on the available evidence, the clinical significance of this variant remains unclear.

Labcorp Genetics (formerly Invitae), Labcorp
Classification: Uncertain significance for Familial cancer of breast. Last evaluated: 2025-12-08. Review status: criteria provided, single submitter. Criteria: Invitae Variant Classification Sherloc (09022015). Collection method: clinical testing. Allele origin: germline.
Comment: This sequence change replaces aspartic acid, which is acidic and polar, with asparagine, which is neutral and polar, at codon 871 of the PALB2 protein (p.Asp871Asn). This variant is not present in population databases (gnomAD no frequency). This variant has not been reported in the literature in individuals affected with PALB2-related conditions. ClinVar contains an entry for this variant (Variation ID: 3615740). Invitae Evidence Modeling of protein sequence and biophysical properties (such as structural, functional, and spatial information, amino acid conservation, physicochemical variation, residue mobility, and thermodynamic stability) indicates that this missense variant is expected to disrupt PALB2 protein function with a positive predictive value of 80%. In summary, the available evidence is currently insufficient to determine the role of this variant in disease. Therefore, it has been classified as a Variant of Uncertain Significance.

NM_024675.4(PALB2):c.2611G>A (p.Asp871Asn)

Gene: PALB2 (partner and localizer of BRCA2; minus strand). Cytogenetic location: 16p12.2.
Variant type: single nucleotide variant.
Coding change: c.2611G>A on transcript NM_024675.4 (MANE Select); coding-DNA position 2611, G replaced by A.
Protein change: p.Asp871Asn; replaces aspartic acid 871 with asparagine.
Molecular consequence: missense variant. On other transcripts: intron variant (3).
Genome position (GRCh38, 1-based): chr16:23,626,373, C>T on the plus strand (G>A on the coding strand, the complement: PALB2 is on the minus strand). VCF-style: chr16-23626373-C-T. GRCh37 (hg19) VCF-style: chr16-23637694-C-T.
Other names: c.2611G>A, p.Asp871Asn (NM_001407301.1, NM_001407299.1, NM_001407300.1); c.1726G>A, p.Asp576Asn (NM_001407304.1, NM_001407305.1, NM_001407306.1 and 4 more transcripts); c.823G>A, p.Asp275Asn (NM_001407312.1, NM_001407313.1); c.145G>A, p.Asp49Asn (NM_001407314.1); c.2587-2279G>A (NM_001407302.1, NM_001407298.1); c.1702-2279G>A (NM_001407307.1); c.2551G>A, p.Asp851Asn (NM_001407296.1); c.2539G>A, p.Asp847Asn (NM_001407297.1); short protein forms D275N, D49N, D576N, D847N, D851N, D871N.
Identifiers: ClinVar variation 3615740 (VCV003615740.3).